The following is an entry in ClinVar:

ClinVar aggregate classification (germline): Uncertain significance (1 of 4 stars; one submission).

Submission:

GeneDx
Classification: Uncertain significance. Last evaluated: 2024-11-07. Review status: criteria provided, single submitter. Criteria: GeneDx Variant Classification Process June 2021. Collection method: clinical testing. Allele origin: germline. Affected: yes.
Comment: Not observed at significant frequency in large population cohorts (gnomAD); In silico analysis supports that this missense variant has a deleterious effect on protein structure/function; Has not been previously published as pathogenic or benign to our knowledge

NM_004187.5(KDM5C):c.1791C>A (p.Phe597Leu)

Gene: KDM5C (lysine demethylase 5C; minus strand). Cytogenetic location: Xp11.22.
Variant type: single nucleotide variant.
Coding change: c.1791C>A on transcript NM_004187.5 (MANE Select); coding-DNA position 1791, C replaced by A.
Protein change: p.Phe597Leu; replaces phenylalanine 597 with leucine.
Molecular consequence: missense variant. On other transcripts: non-coding transcript variant (3).
Genome position (GRCh38, 1-based): chrX:53,201,929, G>T on the plus strand (C>A on the coding strand, the complement: KDM5C is on the minus strand). VCF-style: chrX-53201929-G-T. GRCh37 (hg19) VCF-style: chrX-53231111-G-T.
Other names: c.1590C>A, p.Phe530Leu (NM_001146702.2); c.1788C>A, p.Phe596Leu (NM_001282622.3, NM_001353979.2, NM_001353982.2); c.1791C>A, p.Phe597Leu (NM_001353978.3, NM_001353981.2, NM_001353984.2); short protein forms F530L, F596L, F597L.
Identifiers: ClinVar variation 3898999 (VCV003898999.1).